The following is an entry in ClinVar:

NM_006496.4(GNAI3):c.408A>T (p.Val136=)

Gene: GNAI3 (G protein subunit alpha i3; plus strand). Cytogenetic location: 1p13.3.
Variant type: single nucleotide variant.
Coding change: c.408A>T on transcript NM_006496.4 (MANE Select); coding-DNA position 408, A replaced by T.
Protein change: p.Val136=; no amino-acid change (valine 136 retained).
Molecular consequence: synonymous variant.
Genome position (GRCh38, 1-based): chr1:109,579,308, A>T. VCF-style: chr1-109579308-A-T. GRCh37 (hg19) VCF-style: chr1-110121930-A-T.
Identifiers: ClinVar variation 2170169 (VCV002170169.7), dbSNP rs781178254, ClinGen allele CA992064.

ClinVar aggregate classification (germline): Benign/Likely benign. Review status: criteria provided, multiple submitters, no conflicts (2 of 4 stars). 3 submissions from 3 submitters: Benign (1); Likely benign (1). 1 of the submissions does not count toward it. Last evaluated 2025-06-15.

Conditions:
GNAI3-related disorder. Also called: GNAI3-related condition.

Allele frequency attached by ClinVar (database versions not stated): TOPMed 0.00008; gnomAD exomes 0.00011; gnomAD 0.00013; ExAC 0.00014.
gnomAD v4.1: 178 of 1,606,930 alleles (0.011%); highest among the groups gnomAD compares: Non-Finnish European, 0.012%; no homozygotes.

Submissions (3):

Labcorp Genetics (formerly Invitae), Labcorp
Classification: Benign. Last evaluated: 2025-06-15. Review status: criteria provided, single submitter. Criteria: Invitae Variant Classification Sherloc (09022015). Collection method: clinical testing. Allele origin: germline.

Blueprint Genetics
Classification: Likely benign. Last evaluated: 2024-11-21. Review status: criteria provided, single submitter. Criteria: ACMG Guidelines, 2015. Collection method: clinical testing. Allele origin: germline.

PreventionGenetics, part of Exact Sciences
Classification: Likely benign for GNAI3-related condition. Last evaluated: 2019-09-13. Review status: no assertion criteria provided. Collection method: clinical testing. Allele origin: germline. Not counted in ClinVar's aggregate classification.
Comment: This variant is classified as likely benign based on ACMG/AMP sequence variant interpretation guidelines (Richards et al. 2015 PMID: 25741868, with internal and published modifications).